The following is an entry in ClinVar:

ClinVar aggregate classification (germline): Conflicting classifications of pathogenicity. Review status: criteria provided, conflicting classifications (1 of 4 stars). 3 submissions from 3 submitters: Uncertain significance (1); Benign (1); Likely benign (1). Last evaluated 2025-04-23.

Conditions:
Neuronal ceroid lipofuscinosis. Also called: Neuronal Ceroid Lipofuscinoses. Identifiers: Orphanet 216, Orphanet 79263, MedGen C0027877, MONDO:0016295. Disease mechanism: loss of function.

Allele frequency attached by ClinVar (database versions not stated): gnomAD exomes 0.00001; TOPMed 0.00002.
gnomAD v4.1: 12 of 1,467,362 alleles (0.00082%); highest among the groups gnomAD compares: Non-Finnish European, 0.0009%; no homozygotes.

Submissions (3):

Labcorp Genetics (formerly Invitae), Labcorp
Classification: Likely benign for Neuronal ceroid lipofuscinosis. Last evaluated: 2025-04-23. Review status: criteria provided, single submitter. Criteria: Invitae Variant Classification Sherloc (09022015). Collection method: clinical testing. Allele origin: germline.

Illumina Laboratory Services, Illumina
Classification: Uncertain significance for Neuronal ceroid lipofuscinosis. Last evaluated: 2018-01-12. Review status: criteria provided, single submitter. Criteria: ICSL Variant Classification Criteria 13 December 2019. Collection method: clinical testing. Allele origin: germline.

GeneDx
Classification: Benign. Last evaluated: 2014-09-05. Review status: criteria provided, single submitter. Criteria: GeneDx Variant Classification (06012015). Collection method: clinical testing. Allele origin: germline. Affected: yes.
Comment: This variant is considered likely benign or benign based on one or more of the following criteria: it is a conservative change, it occurs at a poorly conserved position in the protein, it is predicted to be benign by multiple in silico algorithms, and/or has population frequency not consistent with disease.

NM_017882.3(CLN6):c.66C>T (p.Ala22=)

Gene: CLN6 (CLN6 transmembrane ER protein; minus strand). Cytogenetic location: 15q23.
Variant type: single nucleotide variant.
Coding change: c.66C>T on transcript NM_017882.3 (MANE Select); coding-DNA position 66, C replaced by T.
Protein change: p.Ala22=; no amino-acid change (alanine 22 retained).
Molecular consequence: synonymous variant.
Genome position (GRCh38, 1-based): chr15:68,229,519, G>A on the plus strand (C>T on the coding strand, the complement: CLN6 is on the minus strand). VCF-style: chr15-68229519-G-A. GRCh37 (hg19) VCF-style: chr15-68521857-G-A.
Other names: p.A22A:GCC>GCT.
Identifiers: ClinVar variation 205160 (VCV000205160.17), dbSNP rs796052349, ClinGen allele CA313951.